The following is an entry in ClinVar:

ClinVar aggregate classification (germline): Uncertain significance. Review status: criteria provided, multiple submitters, no conflicts (2 of 4 stars). 2 submissions from 2 submitters: Uncertain significance (2). Last evaluated 2025-11-08.

Conditions:
Inborn genetic diseases. Identifiers: MedGen C0950123, MeSH D030342.

gnomAD v4.1: 1 of 1,606,150 alleles (0.000062%); highest among the groups gnomAD compares: Non-Finnish European, 0.000085%; no homozygotes.

Submissions (2):

Labcorp Genetics (formerly Invitae), Labcorp
Classification: Uncertain significance. Last evaluated: 2025-11-08. Review status: criteria provided, single submitter. Criteria: Invitae Variant Classification Sherloc (09022015). Collection method: clinical testing. Allele origin: germline.
Comment: This sequence change replaces glutamic acid, which is acidic and polar, with glutamine, which is neutral and polar, at codon 405 of the GRIN2D protein (p.Glu405Gln). This variant is not present in population databases (gnomAD no frequency). This variant has not been reported in the literature in individuals affected with GRIN2D-related conditions. ClinVar contains an entry for this variant (Variation ID: 3522713). Invitae Evidence Modeling of protein sequence and biophysical properties (such as structural, functional, and spatial information, amino acid conservation, physicochemical variation, residue mobility, and thermodynamic stability) indicates that this missense variant is not expected to disrupt GRIN2D protein function with a negative predictive value of 80%. In summary, the available evidence is currently insufficient to determine the role of this variant in disease. Therefore, it has been classified as a Variant of Uncertain Significance.

Ambry Genetics
Classification: Uncertain significance for Inborn genetic diseases. Last evaluated: 2024-07-16. Review status: criteria provided, single submitter. Criteria: Ambry Variant Classification Scheme 2023. Collection method: clinical testing. Allele origin: germline.

NM_000836.4(GRIN2D):c.1213G>C (p.Glu405Gln)

Gene: GRIN2D (glutamate ionotropic receptor NMDA type subunit 2D; plus strand). Cytogenetic location: 19q13.33.
Variant type: single nucleotide variant.
Coding change: c.1213G>C on transcript NM_000836.4 (MANE Select); coding-DNA position 1213, G replaced by C.
Protein change: p.Glu405Gln; replaces glutamic acid 405 with glutamine.
Molecular consequence: missense variant.
Genome position (GRCh38, 1-based): chr19:48,414,385, G>C. VCF-style: chr19-48414385-G-C. GRCh37 (hg19) VCF-style: chr19-48917642-G-C.
Other names: short protein forms E405Q.
Identifiers: ClinVar variation 3522713 (VCV003522713.2).
Genomic context (GRCh38, chr19:48,414,385, plus strand): 5'-ACCGGGAAGTCTTCCCAGGAAGCCTGACTCTCTTTCCCTTTGGCCAAGGTGGGCAGCTGG[G>C]AGCAGCAGACGCTCCGCCTCAAGTACCCGCTGTGGTCCCGCTATGGTCGCTTCCTGCAGC-3'
Protein context (NP_000827.2, residues 395-415): DRTWEVVGSW[Glu405Gln]QQTLRLKYPL